The following is an entry in ClinVar:

ClinVar aggregate classification (germline): Uncertain significance. Review status: criteria provided, multiple submitters, no conflicts (2 of 4 stars). 2 submissions from 2 submitters: Uncertain significance (2). Last evaluated 2023-02-06.

Conditions:
Inborn genetic diseases. Identifiers: MedGen C0950123, MeSH D030342.

Allele frequency attached by ClinVar (database versions not stated): ExAC 0.00002; gnomAD 0.00009; TOPMed 0.00011; 1000 Genomes Project 30x 0.00016; 1000 Genomes Project 0.00020.
gnomAD v4.1: 35 of 1,614,190 alleles (0.0022%); highest among the groups gnomAD compares: African/African-American, 0.044%; no homozygotes.

Submissions (2):

Ambry Genetics
Classification: Uncertain significance for Inborn genetic diseases. Last evaluated: 2023-02-06. Review status: criteria provided, single submitter. Criteria: Ambry Variant Classification Scheme 2023. Collection method: clinical testing. Allele origin: germline.

Labcorp Genetics (formerly Invitae), Labcorp
Classification: Uncertain significance. Last evaluated: 2022-03-26. Review status: criteria provided, single submitter. Criteria: Invitae Variant Classification Sherloc (09022015). Collection method: clinical testing. Allele origin: germline.
Comment: This sequence change replaces glutamine, which is neutral and polar, with arginine, which is basic and polar, at codon 511 of the DENND5A protein (p.Gln511Arg). This variant is present in population databases (rs555120596, gnomAD 0.02%). This variant has not been reported in the literature in individuals affected with DENND5A-related conditions. Algorithms developed to predict the effect of missense changes on protein structure and function (SIFT, PolyPhen-2, Align-GVGD) all suggest that this variant is likely to be tolerated. In summary, the available evidence is currently insufficient to determine the role of this variant in disease. Therefore, it has been classified as a Variant of Uncertain Significance.

NM_015213.4(DENND5A):c.1532A>G (p.Gln511Arg)

Gene: DENND5A (DENN domain containing 5A; minus strand). Cytogenetic location: 11p15.4.
Variant type: single nucleotide variant.
Coding change: c.1532A>G on transcript NM_015213.4 (MANE Select); coding-DNA position 1532, A replaced by G.
Protein change: p.Gln511Arg; replaces glutamine 511 with arginine.
Molecular consequence: missense variant. On other transcripts: non-coding transcript variant (1).
Genome position (GRCh38, 1-based): chr11:9,178,997, T>C on the plus strand (A>G on the coding strand, the complement: DENND5A is on the minus strand). VCF-style: chr11-9178997-T-C. GRCh37 (hg19) VCF-style: chr11-9200544-T-C.
Other names: c.1532A>G, p.Gln511Arg (NM_001243254.2, NM_001348748.1); c.1460A>G, p.Gln487Arg (NM_001348749.2); c.1244A>G, p.Gln415Arg (NM_001348750.2); c.1532A>G (NM_015213.3); short protein forms Q415R, Q487R, Q511R.
Identifiers: ClinVar variation 1909471 (VCV001909471.4), dbSNP rs555120596, ClinGen allele CA5877568.